The following is an entry in ClinVar:

NM_001386140.1(MTTP):c.431C>A (p.Ala144Asp)

Gene: MTTP (microsomal triglyceride transfer protein; plus strand). Cytogenetic location: 4q23.
Variant type: single nucleotide variant.
Coding change: c.431C>A on transcript NM_001386140.1 (MANE Select); coding-DNA position 431, C replaced by A.
Protein change: p.Ala144Asp; replaces alanine 144 with aspartic acid.
Molecular consequence: missense variant.
Genome position (GRCh38, 1-based): chr4:99,589,680, C>A. VCF-style: chr4-99589680-C-A. GRCh37 (hg19) VCF-style: chr4-100510837-C-A.
Other names: c.431C>A, p.Ala144Asp (NM_000253.4); c.182C>A, p.Ala61Asp (NM_001300785.2); c.431C>A (NM_000253.2); short protein forms A144D, A61D.
Identifiers: ClinVar variation 1395072 (VCV001395072.6), dbSNP rs1402477591, ClinGen allele CA357503498.

ClinVar aggregate classification (germline): Uncertain significance. Review status: criteria provided, multiple submitters, no conflicts (2 of 4 stars). 2 submissions from 2 submitters: Uncertain significance (2). Last evaluated 2023-11-17.

Conditions:
Inborn genetic diseases. Identifiers: MedGen C0950123, MeSH D030342.

gnomAD v4.1: 2 of 1,609,908 alleles (0.00012%); highest among the groups gnomAD compares: Admixed American, 0.0033%; no homozygotes.

Submissions (2):

Ambry Genetics
Classification: Uncertain significance for Inborn genetic diseases. Last evaluated: 2023-11-17. Review status: criteria provided, single submitter. Criteria: Ambry Variant Classification Scheme 2023. Collection method: clinical testing. Allele origin: germline.

Labcorp Genetics (formerly Invitae), Labcorp
Classification: Uncertain significance. Last evaluated: 2021-08-27. Review status: criteria provided, single submitter. Criteria: Invitae Variant Classification Sherloc (09022015). Collection method: clinical testing. Allele origin: germline.
Comment: This sequence change replaces alanine with aspartic acid at codon 144 of the MTTP protein (p.Ala144Asp). The alanine residue is weakly conserved and there is a moderate physicochemical difference between alanine and aspartic acid. This variant is not present in population databases (ExAC no frequency). This variant has not been reported in the literature in individuals affected with MTTP-related conditions. Algorithms developed to predict the effect of missense changes on protein structure and function (SIFT, PolyPhen-2, Align-GVGD) all suggest that this variant is likely to be tolerated. In summary, the available evidence is currently insufficient to determine the role of this variant in disease. Therefore, it has been classified as a Variant of Uncertain Significance.